The following is an entry in ClinVar:

ClinVar aggregate classification (germline): Likely benign (1 of 4 stars; one submission).

Submission:

CeGaT Center for Human Genetics Tuebingen
Classification: Likely benign. Last evaluated: 2022-06-01. Review status: criteria provided, single submitter. Criteria: CeGaT Center For Human Genetics Tuebingen Variant Classification Criteria Version 2. Collection method: clinical testing. Allele origin: germline. Affected: yes. Observed: 1 variant allele.
Comment: PSG9: PM2:Supporting, BP4, BP7

NM_002784.5(PSG9):c.441C>G (p.Pro147=)

Gene: PSG9 (pregnancy specific beta-1-glycoprotein 9; minus strand). Cytogenetic location: 19q13.31.
Variant type: single nucleotide variant.
Coding change: c.441C>G on transcript NM_002784.5 (MANE Select); coding-DNA position 441, C replaced by G.
Protein change: p.Pro147=; no amino-acid change (proline 147 retained).
Molecular consequence: synonymous variant. On other transcripts: intron variant (2).
Genome position (GRCh38, 1-based): chr19:43,262,128, G>C on the plus strand (C>G on the coding strand, the complement: PSG9 is on the minus strand). VCF-style: chr19-43262128-G-C. GRCh37 (hg19) VCF-style: chr19-43766280-G-C.
Other names: c.441C>G, p.Pro147= (NM_001301708.2, NM_001411075.1); c.431-3672C>G (NM_001301709.2); c.431-2993C>G (NM_001301707.2).
Identifiers: ClinVar variation 2650059 (VCV002650059.24), dbSNP rs763772998, ClinGen allele CA507925902.
Genomic context (GRCh38, chr19:43,262,128, plus strand): 5'-TAAGCGCACAGCCTCCATGGCCTCCCTGGGGTTTAAGTTGCTGCTGGAGATGTAGGGCTT[G>C]GGAGTCTCCACTGTGCAGAAAACAGAGAGAAGATTGCCCTGTGTGGCACCTTTGATTCCT-3'
Protein context (NP_002775.3, residues 137-157): HFTFTLYLET[Pro147=]KPYISSSNLN